The following is an entry in ClinVar:

NM_002519.3(NPAT):c.1448T>C (p.Ile483Thr)

Gene: NPAT (nuclear protein, coactivator of histone transcription; minus strand). Cytogenetic location: 11q22.3.
Variant type: single nucleotide variant.
Coding change: c.1448T>C on transcript NM_002519.3 (MANE Select); coding-DNA position 1448, T replaced by C.
Protein change: p.Ile483Thr; replaces isoleucine 483 with threonine.
Molecular consequence: missense variant.
Genome position (GRCh38, 1-based): chr11:108,173,536, A>G on the plus strand (T>C on the coding strand, the complement: NPAT is on the minus strand). VCF-style: chr11-108173536-A-G. GRCh37 (hg19) VCF-style: chr11-108044263-A-G.
Other names: c.1448T>C, p.Ile483Thr (NM_001321307.1); short protein forms I483T.
Identifiers: ClinVar variation 3222471 (VCV003222471.1), dbSNP rs2496721251, ClinGen allele CA382515196.

ClinVar aggregate classification (germline): Uncertain significance (1 of 4 stars; one submission).

Allele frequency attached by ClinVar (database versions not stated): gnomAD exomes below 0.00001.
gnomAD v4.1: 3 of 1,614,214 alleles (0.00019%); highest among the groups gnomAD compares: Non-Finnish European, 0.00025%; no homozygotes.

Submission:

Ambry Genetics
Classification: Uncertain significance. Last evaluated: 2023-09-24. Review status: criteria provided, single submitter. Criteria: Ambry Variant Classification Scheme 2023. Collection method: clinical testing. Allele origin: germline.
Comment: The p.I483T variant (also known as c.1448T>C), located in coding exon 13 of the NPAT gene, results from a T to C substitution at nucleotide position 1448. The isoleucine at codon 483 is replaced by threonine, an amino acid with similar properties. This amino acid position is conserved. In addition, this alteration is predicted to be tolerated by in silico analysis. Since supporting evidence is limited at this time, the clinical significance of this alteration remains unclear.